The following is an entry in ClinVar:

NM_006904.7(PRKDC):c.4099C>T (p.His1367Tyr)

Gene: PRKDC (protein kinase, DNA-activated, catalytic subunit; minus strand). Cytogenetic location: 8q11.21.
Variant type: single nucleotide variant.
Coding change: c.4099C>T on transcript NM_006904.7 (MANE Select); coding-DNA position 4099, C replaced by T.
Protein change: p.His1367Tyr; replaces histidine 1367 with tyrosine.
Molecular consequence: missense variant.
Genome position (GRCh38, 1-based): chr8:47,889,195, G>A on the plus strand (C>T on the coding strand, the complement: PRKDC is on the minus strand). VCF-style: chr8-47889195-G-A. GRCh37 (hg19) VCF-style: chr8-48801756-G-A.
Other names: c.4099C>T, p.His1367Tyr (NM_001081640.2); short protein forms H1367Y.
Identifiers: ClinVar variation 2139472 (VCV002139472.1), dbSNP rs377450561, ClinGen allele CA4741006.

ClinVar aggregate classification (germline): Uncertain significance (1 of 4 stars; one submission).

Conditions:
Severe combined immunodeficiency due to DNA-PKcs deficiency. Also called: IMMUNODEFICIENCY 26 WITH NEUROLOGIC ABNORMALITIES; Immunodeficiency 26 with or without neurologic abnormalities. Identifiers: Orphanet 317425, MedGen C4014833, MONDO:0014423, OMIM 615966.

Allele frequency attached by ClinVar (database versions not stated): gnomAD 0.00001; gnomAD exomes 0.00001; ExAC 0.00002; TOPMed 0.00003; ESP Exome Variant Server 0.00008.
gnomAD v4.1: 9 of 1,613,096 alleles (0.00056%); highest among the groups gnomAD compares: African/African-American, 0.0027%; no homozygotes.

Submission:

Labcorp Genetics (formerly Invitae), Labcorp
Classification: Uncertain significance for Severe combined immunodeficiency due to DNA-PKcs deficiency. Last evaluated: 2022-08-19. Review status: criteria provided, single submitter. Criteria: Invitae Variant Classification Sherloc (09022015). Collection method: clinical testing. Allele origin: germline.
Comment: This sequence change replaces histidine, which is basic and polar, with tyrosine, which is neutral and polar, at codon 1367 of the PRKDC protein (p.His1367Tyr). This variant is present in population databases (rs377450561, gnomAD 0.003%). This variant has not been reported in the literature in individuals affected with PRKDC-related conditions. Experimental studies and prediction algorithms are not available or were not evaluated, and the functional significance of this variant is currently unknown. In summary, the available evidence is currently insufficient to determine the role of this variant in disease. Therefore, it has been classified as a Variant of Uncertain Significance.